The following is an entry in ClinVar:

ClinVar aggregate classification (germline): Uncertain significance (1 of 4 stars; one submission).

Conditions:
Gnathodiaphyseal dysplasia (GDD). Also called: GNATHODIAPHYSEAL SCLEROSIS; OSTEOGENESIS IMPERFECTA WITH UNUSUAL SKELETAL LESIONS. Identifiers: Orphanet 53697, MedGen C1833736, MONDO:0008151, OMIM 166260.
Autosomal recessive limb-girdle muscular dystrophy type 2L (LGMDR12). Also called: Limb-girdle muscular dystrophy, type 2L; MUSCULAR DYSTROPHY, LIMB-GIRDLE, AUTOSOMAL RECESSIVE 12; Limb-Girdle Muscular Dystrophy R12 Anoctamin-5-Related (LGMD-R12). Identifiers: Orphanet 206549, MedGen C1969785, MONDO:0012652, OMIM 611307.

Allele frequency attached by ClinVar (database versions not stated): gnomAD exomes below 0.00001.
gnomAD v4.1: 2 of 1,613,244 alleles (0.00012%); highest among the groups gnomAD compares: Non-Finnish European, 0.000085%; no homozygotes.

Submission:

Labcorp Genetics (formerly Invitae), Labcorp
Classification: Uncertain significance for Autosomal recessive limb-girdle muscular dystrophy type 2L; Gnathodiaphyseal dysplasia. Last evaluated: 2022-03-05. Review status: criteria provided, single submitter. Criteria: Invitae Variant Classification Sherloc (09022015). Collection method: clinical testing. Allele origin: germline.
Comment: This variant has not been reported in the literature in individuals affected with ANO5-related conditions. Advanced modeling of protein sequence and biophysical properties (such as structural, functional, and spatial information, amino acid conservation, physicochemical variation, residue mobility, and thermodynamic stability) performed at Invitae indicates that this missense variant is expected to disrupt ANO5 protein function. In summary, the available evidence is currently insufficient to determine the role of this variant in disease. Therefore, it has been classified as a Variant of Uncertain Significance. This sequence change replaces cysteine, which is neutral and slightly polar, with tyrosine, which is neutral and polar, at codon 606 of the ANO5 protein (p.Cys606Tyr). This variant is not present in population databases (gnomAD no frequency).

NM_213599.3(ANO5):c.1817G>A (p.Cys606Tyr)

Gene: ANO5 (anoctamin 5; plus strand). Cytogenetic location: 11p14.3.
Variant type: single nucleotide variant.
Coding change: c.1817G>A on transcript NM_213599.3 (MANE Select); coding-DNA position 1817, G replaced by A.
Protein change: p.Cys606Tyr; replaces cysteine 606 with tyrosine.
Molecular consequence: missense variant.
Genome position (GRCh38, 1-based): chr11:22,262,962, G>A. VCF-style: chr11-22262962-G-A. GRCh37 (hg19) VCF-style: chr11-22284508-G-A.
Other names: c.1814G>A, p.Cys605Tyr (NM_001142649.2); short protein forms C606Y, C605Y.
Identifiers: ClinVar variation 1462985 (VCV001462985.6), dbSNP rs2133750545, ClinGen allele CA379922904.